The following is an entry in ClinVar:

NM_001105206.3(LAMA4):c.1573G>C (p.Glu525Gln)

Gene: LAMA4 (laminin subunit alpha 4; minus strand). Cytogenetic location: 6q21.
Variant type: single nucleotide variant.
Coding change: c.1573G>C on transcript NM_001105206.3 (MANE Select); coding-DNA position 1573, G replaced by C.
Protein change: p.Glu525Gln; replaces glutamic acid 525 with glutamine.
Molecular consequence: missense variant.
Genome position (GRCh38, 1-based): chr6:112,165,255, C>G on the plus strand (G>C on the coding strand, the complement: LAMA4 is on the minus strand). VCF-style: chr6-112165255-C-G. GRCh37 (hg19) VCF-style: chr6-112486457-C-G.
Other names: c.1552G>C, p.Glu518Gln (NM_001105207.3, NM_002290.5); short protein forms E525Q, E518Q.
Identifiers: ClinVar variation 3289942 (VCV003289942.1).

ClinVar aggregate classification (germline): Uncertain significance (1 of 4 stars; one submission).

Conditions:
Cardiovascular phenotype. Identifiers: MedGen CN230736.

gnomAD v4.1: 2 of 1,612,374 alleles (0.00012%); highest among the groups gnomAD compares: South Asian, 0.0011%; no homozygotes.

Submission:

Ambry Genetics
Classification: Uncertain significance for Cardiovascular phenotype. Last evaluated: 2024-05-06. Review status: criteria provided, single submitter. Criteria: Ambry Variant Classification Scheme 2023. Collection method: clinical testing. Allele origin: germline.
Comment: The p.E518Q variant (also known as c.1552G>C), located in coding exon 12 of the LAMA4 gene, results from a G to C substitution at nucleotide position 1552. The glutamic acid at codon 518 is replaced by glutamine, an amino acid with highly similar properties. This amino acid position is conserved. In addition, this alteration is predicted to be tolerated by in silico analysis. Based on the available evidence, the clinical significance of this variant remains unclear.